The following is an entry in ClinVar:

NM_003742.4(ABCB11):c.1197+1G>T

Gene: ABCB11 (ATP binding cassette subfamily B member 11; minus strand). Cytogenetic location: 2q31.1.
Variant type: single nucleotide variant.
Coding change: c.1197+1G>T on transcript NM_003742.4 (MANE Select); the canonical splice donor site of the intron after coding-DNA position 1197, G replaced by T.
Molecular consequence: splice donor variant.
Genome position (GRCh38, 1-based): chr2:168,979,865, C>A on the plus strand (G>T on the coding strand, the complement: ABCB11 is on the minus strand). VCF-style: chr2-168979865-C-A. GRCh37 (hg19) VCF-style: chr2-169836375-C-A.
Identifiers: ClinVar variation 4846685 (VCV004846685.2).

ClinVar aggregate classification (germline): Pathogenic/Likely pathogenic. Review status: criteria provided, multiple submitters, no conflicts (2 of 4 stars). 2 submissions from 2 submitters: Pathogenic (1); Likely pathogenic (1). Last evaluated 2026-04-14.

Conditions:
Familial intrahepatic cholestasis. Identifiers: Orphanet 284385, MedGen CN296401, MONDO:0017290.
ABCB11-related disorder. Also called: ABCB11-related condition.

Submissions (2):

Genomenon, Inc
Classification: Pathogenic for Familial intrahepatic cholestasis. Last evaluated: 2026-04-14. Review status: criteria provided, single submitter. Criteria: Genomenon Sequence Variant Interpretation Standards - Updated. Collection method: curation. Allele origin: germline. Affected: yes.
Comment: ABCB11 c.1197+1G>T is a canonical splice variant affecting the donor splice site of intron 11. It is predicted to affect mRNA splicing, leading to a deleterious effect on the ABCB11 protein. This variant has been observed in at least one proband with an ABCB11-related disorder (PMID:26382629). It is absent or not present at a significant frequency in gnomAD. In conclusion, we classify ABCB11 c.1197+1G>T as a pathogenic variant.

Blueprint Genetics
Classification: Likely pathogenic for ABCB11-related disorders. Last evaluated: 2024-09-25. Review status: criteria provided, single submitter. Criteria: ACMG Guidelines, 2015. Collection method: clinical testing. Allele origin: germline. Affected: yes. Observed: 1 variant allele.

Literature cited by the submitters: PubMed 26382629 (cited by Genomenon, Inc).